The following is an entry in ClinVar:

NM_000246.4(CIITA):c.587_597del (p.Ala196fs)

Gene: CIITA (class II major histocompatibility complex transactivator; plus strand). Cytogenetic location: 16p13.13.
Variant type: Deletion.
Coding change: c.587_597del on transcript NM_000246.4 (MANE Select); coding-DNA positions 587 to 597, 11 bases deleted (CCTCCGGCCAG).
Protein change: p.Ala196fs; shifts the reading frame from alanine 196.
Molecular consequence: frameshift variant. On other transcripts: non-coding transcript variant (1), intron variant (3).
Genome position (GRCh38, 1-based): chr16:10,902,143-10,902,153, CCTCCGGCCAG deleted; deleting any 11 consecutive bases within chr16:10,902,138-10,902,153 gives the same sequence; the c. name uses the placement nearest the transcript's 3' end. VCF-style (leftmost placement, unchanged base first): chr16-10902137-AGCCAGCCTCCG-A. GRCh37 (hg19) VCF-style: chr16-10995994-AGCCAGCCTCCG-A.
Other names: c.590_600del, p.Ala197fs (NM_001286402.1, NM_001379332.1); c.587_597del, p.Ala196fs (NM_001379333.1); c.518_528del, p.Ala173fs (NM_001379334.1); c.485-515_485-505del (NM_001379330.1); c.482-515_482-505del (NM_001379331.1, NM_001286403.2); short protein forms A196fs, A173fs, A197fs.
Identifiers: ClinVar variation 2018503 (VCV002018503.4), dbSNP rs1371331693, ClinGen allele CA621175843.

ClinVar aggregate classification (germline): Pathogenic (1 of 4 stars; one submission).

Conditions:
MHC class II deficiency. Also called: Bare lymphocyte syndrome 2; BLS, TYPE II. Identifiers: Orphanet 572, MedGen C5447452, MONDO:0008855.

Submission:

Labcorp Genetics (formerly Invitae), Labcorp
Classification: Pathogenic for MHC class II deficiency. Last evaluated: 2023-07-09. Review status: criteria provided, single submitter. Criteria: Invitae Variant Classification Sherloc (09022015). Collection method: clinical testing. Allele origin: germline.
Comment: For these reasons, this variant has been classified as Pathogenic. ClinVar contains an entry for this variant (Variation ID: 2018503). This variant has not been reported in the literature in individuals affected with CIITA-related conditions. This variant is present in population databases (no rsID available, gnomAD 0.007%). This sequence change creates a premature translational stop signal (p.Ala196Aspfs*25) in the CIITA gene. It is expected to result in an absent or disrupted protein product. Loss-of-function variants in CIITA are known to be pathogenic (PMID: 8402893, 9099848, 26271388).

Literature cited by the submitters: PubMed 8402893; PubMed 9099848; PubMed 26271388.